The following is an entry in ClinVar:

NM_001367624.2(ZNF469):c.3109A>G (p.Arg1037Gly)

Gene: ZNF469 (zinc finger protein 469; plus strand). Cytogenetic location: 16q24.2.
Variant type: single nucleotide variant.
Coding change: c.3109A>G on transcript NM_001367624.2 (MANE Select); coding-DNA position 3109, A replaced by G.
Protein change: p.Arg1037Gly; replaces arginine 1037 with glycine.
Molecular consequence: missense variant.
Genome position (GRCh38, 1-based): chr16:88,430,579, A>G. VCF-style: chr16-88430579-A-G. GRCh37 (hg19) VCF-style: chr16-88496987-A-G.
Other names: NM_001127464.1:c.3109A>G; short protein forms R1037G.
Identifiers: ClinVar variation 2564230 (VCV002564230.2), dbSNP rs753720576, ClinGen allele CA397077483.

ClinVar aggregate classification (germline): Uncertain significance (1 of 4 stars; one submission).

Conditions:
Cardiovascular phenotype. Identifiers: MedGen CN230736.

gnomAD v4.1: 1 of 1,498,892 alleles (0.000067%); highest among the groups gnomAD compares: Non-Finnish European, 0.000088%; no homozygotes.

Submission:

Ambry Genetics
Classification: Uncertain significance for Cardiovascular phenotype. Last evaluated: 2023-04-16. Review status: criteria provided, single submitter. Criteria: Ambry Variant Classification Scheme 2023. Collection method: clinical testing. Allele origin: germline.
Comment: The p.R1037G variant (also known as c.3109A>G), located in coding exon 1 of the ZNF469 gene, results from an A to G substitution at nucleotide position 3109. The arginine at codon 1037 is replaced by glycine, an amino acid with dissimilar properties. This amino acid position is conserved. In addition, this alteration is predicted to be tolerated by in silico analysis. Since supporting evidence is limited at this time, the clinical significance of this alteration remains unclear.